The following is an entry in ClinVar:

ClinVar aggregate classification (germline): Likely pathogenic (1 of 4 stars; one submission).

Conditions:
Autosomal dominant nonsyndromic hearing loss 65. Also called: Deafness, autosomal dominant 65; TBC1D24-Related Autosomal Dominant Nonsyndromic Hearing Loss (DFNA). Identifiers: Orphanet 90635, MedGen C3892048, MONDO:0014470, OMIM 616044.
Developmental and epileptic encephalopathy, 1 (DEE1). Also called: X-linked infantile spasms; West's syndrome; Tonic spasms with clustering, arrest of psychomotor development and hypsarrhythmia on EEG; X-Linked Infantile Spasm Syndrome; OHTAHARA SYNDROME, X-LINKED; INFANTILE SPASM SYNDROME, X-LINKED 1. Identifiers: MedGen C3463992, MONDO:0010632, OMIM 308350. Disease mechanism: loss of function.

gnomAD v4.1: 1 of 1,579,916 alleles (0.000063%); highest among the groups gnomAD compares: Non-Finnish European, 0.000086%; no homozygotes.

Submission:

Labcorp Genetics (formerly Invitae), Labcorp
Classification: Likely pathogenic for Developmental and epileptic encephalopathy, 1; Autosomal dominant nonsyndromic hearing loss 65. Last evaluated: 2024-07-26. Review status: criteria provided, single submitter. Criteria: Invitae Variant Classification Sherloc (09022015). Collection method: clinical testing. Allele origin: germline.
Comment: This sequence change replaces alanine, which is neutral and non-polar, with glycine, which is neutral and non-polar, at codon 500 of the TBC1D24 protein (p.Ala500Gly). This variant is not present in population databases (gnomAD no frequency). This variant has not been reported in the literature in individuals affected with TBC1D24-related conditions. ClinVar contains an entry for this variant (Variation ID: 2162152). Advanced modeling of protein sequence and biophysical properties (such as structural, functional, and spatial information, amino acid conservation, physicochemical variation, residue mobility, and thermodynamic stability) has been performed at Invitae for this missense variant, however the output from this modeling did not meet the statistical confidence thresholds required to predict the impact of this variant on TBC1D24 protein function. This variant disrupts the p.Ala500 amino acid residue in TBC1D24. Other variant(s) that disrupt this residue have been determined to be pathogenic (PMID: 27281533, 30108545, 31112829, 31257402). This suggests that this residue is clinically significant, and that variants that disrupt this residue are likely to be disease-causing. In summary, the currently available evidence indicates that the variant is pathogenic, but additional data are needed to prove that conclusively. Therefore, this variant has been classified as Likely Pathogenic.

Literature cited by the submitters: PubMed 27281533; PubMed 30108545; PubMed 31112829; PubMed 31257402.

NM_001199107.2(TBC1D24):c.1499C>G (p.Ala500Gly)

Gene: TBC1D24 (TBC1 domain family member 24; plus strand). Cytogenetic location: 16p13.3.
Variant type: single nucleotide variant.
Coding change: c.1499C>G on transcript NM_001199107.2 (MANE Select); coding-DNA position 1499, C replaced by G.
Protein change: p.Ala500Gly; replaces alanine 500 with glycine.
Molecular consequence: missense variant.
Genome position (GRCh38, 1-based): chr16:2,500,464, C>G. VCF-style: chr16-2500464-C-G. GRCh37 (hg19) VCF-style: chr16-2550465-C-G.
Other names: c.1481C>G, p.Ala494Gly (NM_020705.3); short protein forms A494G, A500G.
Identifiers: ClinVar variation 2162152 (VCV002162152.4), dbSNP rs564477999, ClinGen allele CA394381266.
Genomic context (GRCh38, chr16:2,500,464, plus strand): 5'-CGCCCTTCCTGGCCGCTCGCCACTTCAACCTGCCCTCCAAGACCGAGTCCATGTTCATGG[C>G]GGGGGGCAGCGACTGCCTCATCGTCGGTGAGCGCCAGCAGACGGGGCTCTGGGATGAGGG-3'
Protein context (NP_001186036.1, residues 490-510): LPSKTESMFM[Ala500Gly]GGSDCLIVGG